The following is an entry in ClinVar:

NM_014055.4(IFT81):c.8A>G (p.Asp3Gly)

Gene: IFT81 (intraflagellar transport 81; plus strand). Cytogenetic location: 12q24.11.
Variant type: single nucleotide variant.
Coding change: c.8A>G on transcript NM_014055.4 (MANE Select); coding-DNA position 8, A replaced by G.
Protein change: p.Asp3Gly; replaces aspartic acid 3 with glycine.
Molecular consequence: missense variant. On other transcripts: 5 prime UTR variant (2), non-coding transcript variant (4).
Genome position (GRCh38, 1-based): chr12:110,127,388, A>G. VCF-style: chr12-110127388-A-G. GRCh37 (hg19) VCF-style: chr12-110565193-A-G.
Other names: c.8A>G, p.Asp3Gly (NM_001143779.2, NM_001347946.2, NM_031473.4); c.-759A>G (NM_001347947.2, NM_001347948.2); short protein forms D3G.
Identifiers: ClinVar variation 862599 (VCV000862599.8), dbSNP rs200581871, ClinGen allele CA6782974.

ClinVar aggregate classification (germline): Uncertain significance. Review status: criteria provided, multiple submitters, no conflicts (2 of 4 stars). 3 submissions from 3 submitters: Uncertain significance (3). Last evaluated 2024-05-16.

Conditions:
Inborn genetic diseases. Identifiers: MedGen C0950123, MeSH D030342.

Allele frequency attached by ClinVar (database versions not stated): gnomAD exomes 0.00001 and 0.00003; gnomAD 0.00003; TOPMed 0.00004; ExAC 0.00006; ESP Exome Variant Server 0.00008.
gnomAD v4.1: 23 of 1,577,346 alleles (0.0015%); highest among the groups gnomAD compares: Admixed American, 0.021%; no homozygotes.

Submissions (3):

Ambry Genetics
Classification: Uncertain significance for Inborn genetic diseases. Last evaluated: 2024-05-16. Review status: criteria provided, single submitter. Criteria: Ambry Variant Classification Scheme 2023. Collection method: clinical testing. Allele origin: germline.

Blueprint Genetics
Classification: Uncertain significance. Last evaluated: 2023-11-21. Review status: criteria provided, single submitter. Criteria: ACMG Guidelines, 2015. Collection method: clinical testing. Allele origin: germline.

Labcorp Genetics (formerly Invitae), Labcorp
Classification: Uncertain significance. Last evaluated: 2022-10-13. Review status: criteria provided, single submitter. Criteria: Invitae Variant Classification Sherloc (09022015). Collection method: clinical testing. Allele origin: germline.
Comment: This sequence change replaces aspartic acid, which is acidic and polar, with glycine, which is neutral and non-polar, at codon 3 of the IFT81 protein (p.Asp3Gly). This variant is present in population databases (rs200581871, gnomAD 0.008%). This variant has not been reported in the literature in individuals affected with IFT81-related conditions. ClinVar contains an entry for this variant (Variation ID: 862599). Advanced modeling of protein sequence and biophysical properties (such as structural, functional, and spatial information, amino acid conservation, physicochemical variation, residue mobility, and thermodynamic stability) has been performed at Invitae for this missense variant, however the output from this modeling did not meet the statistical confidence thresholds required to predict the impact of this variant on IFT81 protein function. In summary, the available evidence is currently insufficient to determine the role of this variant in disease. Therefore, it has been classified as a Variant of Uncertain Significance.